The following is an entry in ClinVar:

ClinVar aggregate classification (germline): Conflicting classifications of pathogenicity. Review status: criteria provided, conflicting classifications (1 of 4 stars). 3 submissions from 3 submitters: Uncertain significance (2); Likely benign (1). Last evaluated 2026-06-09.

Conditions:
Nephronophthisis 12 (NPHP12). Identifiers: Orphanet 655, MedGen C3151186, MONDO:0013442, OMIM 613820.
Asphyxiating thoracic dystrophy 4 (SRTD4). Also called: SHORT-RIB THORACIC DYSPLASIA 4; SHORT-RIB THORACIC DYSPLASIA 4 WITH OR WITHOUT POLYDACTYLY. Identifiers: Orphanet 474, MedGen C3151185, MONDO:0013441, OMIM 613819.
TTC21B-related disorder. Also called: TTC21B-related condition; TTC21B-related disorders.

Allele frequency attached by ClinVar (database versions not stated): gnomAD exomes below 0.00001.
gnomAD v4.1: 6 of 1,597,808 alleles (0.00038%); highest among the groups gnomAD compares: Middle Eastern, 0.033%; no homozygotes.

Submissions (3):

PreventionGenetics, part of Exact Sciences
Classification: Likely benign for TTC21B-related condition. Last evaluated: 2026-06-09. Review status: criteria provided, single submitter. Criteria: ACMG Guidelines, 2015. Collection method: clinical testing. Allele origin: germline.
Comment: This variant is classified as likely benign based on ACMG/AMP sequence variant interpretation guidelines (Richards et al. 2015 PMID: 25741868, with internal and published modifications).

Fulgent Genetics
Classification: Uncertain significance for Asphyxiating thoracic dystrophy 4; Nephronophthisis 12. Last evaluated: 2022-01-01. Review status: criteria provided, single submitter. Criteria: ACMG Guidelines, 2015. Collection method: clinical testing. Allele origin: unknown.

GeneDx
Classification: Uncertain significance. Last evaluated: 2019-04-10. Review status: criteria provided, single submitter. Criteria: GeneDx Variant Classification Process June 2021. Collection method: clinical testing. Allele origin: germline. Affected: yes.
Comment: Not observed in large population cohorts (Lek et al., 2016)

NM_024753.5(TTC21B):c.1185+5A>G

Gene: TTC21B (tetratricopeptide repeat domain 21B; minus strand). Cytogenetic location: 2q24.3.
Variant type: single nucleotide variant.
Coding change: c.1185+5A>G on transcript NM_024753.5 (MANE Select); 5 bases into the intron after coding-DNA position 1185, A replaced by G.
Molecular consequence: intron variant.
Genome position (GRCh38, 1-based): chr2:165,929,645, T>C on the plus strand (A>G on the coding strand, the complement: TTC21B is on the minus strand). VCF-style: chr2-165929645-T-C. GRCh37 (hg19) VCF-style: chr2-166786155-T-C.
Other names: c.1185+5A>G (NM_024753.4).
Identifiers: ClinVar variation 1305150 (VCV001305150.4), dbSNP rs2105343665, ClinGen allele CA645526222.